The following is an entry in ClinVar:

NM_199420.4(POLQ):c.2071G>C (p.Glu691Gln)

Gene: POLQ (DNA polymerase theta; minus strand). Cytogenetic location: 3q13.33.
Variant type: single nucleotide variant.
Coding change: c.2071G>C on transcript NM_199420.4 (MANE Select); coding-DNA position 2071, G replaced by C.
Protein change: p.Glu691Gln; replaces glutamic acid 691 with glutamine.
Molecular consequence: missense variant.
Genome position (GRCh38, 1-based): chr3:121,498,559, C>G on the plus strand (G>C on the coding strand, the complement: POLQ is on the minus strand). VCF-style: chr3-121498559-C-G. GRCh37 (hg19) VCF-style: chr3-121217406-C-G.
Other names: short protein forms E691Q.
Identifiers: ClinVar variation 3422397 (VCV003422397.1).

ClinVar aggregate classification (germline): Uncertain significance (1 of 4 stars; one submission).

Submission:

Ambry Genetics
Classification: Uncertain significance. Last evaluated: 2024-08-04. Review status: criteria provided, single submitter. Criteria: Ambry Variant Classification Scheme 2023. Collection method: clinical testing. Allele origin: germline.
Comment: The p.E691Q variant (also known as c.2071G>C), located in coding exon 13 of the POLQ gene, results from a G to C substitution at nucleotide position 2071. The glutamic acid at codon 691 is replaced by glutamine, an amino acid with highly similar properties. This amino acid position is conserved. In addition, the in silico prediction for this alteration is inconclusive. Based on the available evidence, the clinical significance of this variant remains unclear.